The following is an entry in ClinVar:

ClinVar aggregate classification (germline): Uncertain significance (1 of 4 stars; one submission).

Conditions:
CHARGE syndrome (CHARGE). Also called: CHARGE ASSOCIATION--COLOBOMA, HEART ANOMALY, CHOANAL ATRESIA, RETARDATION, GENITAL AND EAR ANOMALIES; Coloboma, heart anomaly, choanal atresia, retardation, genital and ear anomalies; CHARGE association; Hall-Hittner syndrome; Hittner Hirsch Kreh syndrome. Identifiers: Orphanet 138, MedGen C0265354, MONDO:0008965.

Allele frequency attached by ClinVar (database versions not stated): gnomAD exomes below 0.00001; ExAC 0.00001; TOPMed 0.00001.
gnomAD v4.1: 2 of 1,613,174 alleles (0.00012%); highest among the groups gnomAD compares: African/African-American, 0.0013%; no homozygotes.

Submission:

Labcorp Genetics (formerly Invitae), Labcorp
Classification: Uncertain significance for CHARGE syndrome. Last evaluated: 2022-10-17. Review status: criteria provided, single submitter. Criteria: Invitae Variant Classification Sherloc (09022015). Collection method: clinical testing. Allele origin: germline.
Comment: This variant is present in population databases (rs776901860, gnomAD 0.0009%). In summary, the available evidence is currently insufficient to determine the role of this variant in disease. Therefore, it has been classified as a Variant of Uncertain Significance. Algorithms developed to predict the effect of missense changes on protein structure and function output the following: SIFT: "Deleterious"; PolyPhen-2: "Benign"; Align-GVGD: "Class C0". The alanine amino acid residue is found in multiple mammalian species, which suggests that this missense change does not adversely affect protein function. ClinVar contains an entry for this variant (Variation ID: 862780). This variant has not been reported in the literature in individuals affected with SEMA3E-related conditions. This sequence change replaces valine, which is neutral and non-polar, with alanine, which is neutral and non-polar, at codon 578 of the SEMA3E protein (p.Val578Ala).

NM_012431.3(SEMA3E):c.1733T>C (p.Val578Ala)

Gene: SEMA3E (semaphorin 3E; minus strand). Cytogenetic location: 7q21.11.
Variant type: single nucleotide variant.
Coding change: c.1733T>C on transcript NM_012431.3 (MANE Select); coding-DNA position 1733, T replaced by C.
Protein change: p.Val578Ala; replaces valine 578 with alanine.
Molecular consequence: missense variant.
Genome position (GRCh38, 1-based): chr7:83,386,985, A>G on the plus strand (T>C on the coding strand, the complement: SEMA3E is on the minus strand). VCF-style: chr7-83386985-A-G. GRCh37 (hg19) VCF-style: chr7-83016301-A-G.
Other names: c.1553T>C, p.Val518Ala (NM_001178129.2); short protein forms V518A, V578A.
Identifiers: ClinVar variation 862780 (VCV000862780.9), dbSNP rs776901860, ClinGen allele CA4321926.